The following is an entry in ClinVar:

ClinVar aggregate classification (germline): Uncertain significance. Review status: criteria provided, multiple submitters, no conflicts (2 of 4 stars). 2 submissions from 2 submitters: Uncertain significance (2). Last evaluated 2024-10-24.

Conditions:
Renal cell carcinoma. Identifiers: Orphanet 217071, MedGen C0007134, MeSH D002292, MONDO:0005086, HP:0005584.
Hereditary cancer-predisposing syndrome. Also called: Tumor predisposition; Hereditary Cancer Syndrome; Hereditary neoplastic syndrome; Neoplastic Syndromes, Hereditary. Identifiers: Orphanet 140162, MedGen C0027672, MeSH D009386, MONDO:0015356.

Submissions (2):

Labcorp Genetics (formerly Invitae), Labcorp
Classification: Uncertain significance for Renal cell carcinoma. Last evaluated: 2024-10-24. Review status: criteria provided, single submitter. Criteria: Invitae Variant Classification Sherloc (09022015). Collection method: clinical testing. Allele origin: germline.
Comment: This sequence change replaces serine, which is neutral and polar, with alanine, which is neutral and non-polar, at codon 691 of the MET protein (p.Ser691Ala). This variant is not present in population databases (gnomAD no frequency). This variant has not been reported in the literature in individuals affected with MET-related conditions. ClinVar contains an entry for this variant (Variation ID: 2092344). Invitae Evidence Modeling of protein sequence and biophysical properties (such as structural, functional, and spatial information, amino acid conservation, physicochemical variation, residue mobility, and thermodynamic stability) indicates that this missense variant is not expected to disrupt MET protein function with a negative predictive value of 80%. In summary, the available evidence is currently insufficient to determine the role of this variant in disease. Therefore, it has been classified as a Variant of Uncertain Significance.

Ambry Genetics
Classification: Uncertain significance for Hereditary cancer-predisposing syndrome. Last evaluated: 2023-02-28. Review status: criteria provided, single submitter. Criteria: Ambry Variant Classification Scheme 2023. Collection method: clinical testing. Allele origin: germline.
Comment: The p.S691A variant (also known as c.2071T>G), located in coding exon 7 of the MET gene, results from a T to G substitution at nucleotide position 2071. The serine at codon 691 is replaced by alanine, an amino acid with similar properties. This amino acid position is conserved. In addition, this alteration is predicted to be tolerated by in silico analysis. Since supporting evidence is limited at this time, the clinical significance of this alteration remains unclear.

NM_000245.4(MET):c.2071T>G (p.Ser691Ala)

Gene: MET (MET proto-oncogene, receptor tyrosine kinase; plus strand). Cytogenetic location: 7q31.2.
Variant type: single nucleotide variant.
Coding change: c.2071T>G on transcript NM_000245.4 (MANE Select); coding-DNA position 2071, T replaced by G.
Protein change: p.Ser691Ala; replaces serine 691 with alanine.
Molecular consequence: missense variant.
Genome position (GRCh38, 1-based): chr7:116,757,743, T>G. VCF-style: chr7-116757743-T-G. GRCh37 (hg19) VCF-style: chr7-116397797-T-G.
Other names: c.2071T>G, p.Ser691Ala (NM_001127500.3, NM_001324401.3); c.781T>G, p.Ser261Ala (NM_001324402.2); short protein forms S261A, S691A.
Identifiers: ClinVar variation 2092344 (VCV002092344.6), dbSNP rs2485714344, ClinGen allele CA368980095.